The following is an entry in ClinVar:

NM_152703.5(SAMD9L):c.4535T>G (p.Val1512Gly)

Gene: SAMD9L (sterile alpha motif domain containing 9 like; minus strand). Cytogenetic location: 7q21.2.
Variant type: single nucleotide variant.
Coding change: c.4535T>G on transcript NM_152703.5 (MANE Select); coding-DNA position 4535, T replaced by G.
Protein change: p.Val1512Gly; replaces valine 1512 with glycine.
Molecular consequence: missense variant.
Genome position (GRCh38, 1-based): chr7:93,131,437, A>C on the plus strand (T>G on the coding strand, the complement: SAMD9L is on the minus strand). VCF-style: chr7-93131437-A-C. GRCh37 (hg19) VCF-style: chr7-92760750-A-C.
Other names: c.4535T>G, p.Val1512Gly (NM_001303496.3, NM_001303497.3, NM_001303498.3 and 5 more transcripts); short protein forms V1512G.
Identifiers: ClinVar variation 3437183 (VCV003437183.1).

ClinVar aggregate classification (germline): Uncertain significance (1 of 4 stars; one submission).

Conditions:
Inborn genetic diseases. Identifiers: MedGen C0950123, MeSH D030342.

Submission:

Ambry Genetics
Classification: Uncertain significance for Inborn genetic diseases. Last evaluated: 2024-11-26. Review status: criteria provided, single submitter. Criteria: Ambry Variant Classification Scheme 2023. Collection method: clinical testing. Allele origin: germline.
Comment: The p.V1512G variant (also known as c.4535T>G), located in coding exon 1 of the SAMD9L gene, results from a T to G substitution at nucleotide position 4535. The valine at codon 1512 is replaced by glycine, an amino acid with dissimilar properties. This amino acid position is conserved. In addition, the in silico prediction for this alteration is inconclusive. Based on the available evidence, the clinical significance of this variant remains unclear.